The following is an entry in ClinVar:

ClinVar aggregate classification (germline): Pathogenic (0 of 4 stars; one submission).

Conditions:
Mandibulofacial dysostosis-microcephaly syndrome (MFDGA). Also called: Mandibulofacial dysostosis, Guion-Almeida type; Growth and mental retardation, mandibulofacial dysostosis, microcephaly, and cleft palate. Identifiers: Orphanet 79113, MedGen C1864652, MONDO:0012516, OMIM 610536.

Submission:

Human Genetics Section, Sidra Medicine
Classification: Pathogenic for Mandibulofacial dysostosis-microcephaly syndrome. Review status: no assertion criteria provided. Collection method: research. Allele origin: de novo. Affected: yes. Observed: 1 heterozygote.
Comment: From a total of 119 previously reported patients with mandibulofacial dysostosis with microcephaly (MFDM) in the literature (Huang, Vanstone et al. 2016, Matsuo, Yamauchi et al. 2017, Rengasamy Venugopalan, Farrow et al. 2017, Yu, Luk et al. 2018, Lacour, McBride et al. 2019, Silva, Soares et al. 2019, Jacob, Pasquier et al. 2020, Kim, Lee et al. 2020, Narumi-Kishimoto, Ozawa et al. 2020, Xu, Zhen et al. 2021, Li, Hong et al. 2022), 95 cases (80%) were found to harbor deleterious variants in Elongation Factor Tu GTP Binding Domain Containing 2 gene (EFTUD2, MIM# 603892). In 76 cases both parents were also genotyped, and 60 (79%) were found to have de novo variants. Evidence from the literature illustrated the important role of start-codon mutations in the development of different disease phenotypes (Ounap, Puusepp-Benazzouz et al. 2012, Carrera, Beristain et al. 2019, Lu, Yu et al. 2021, Xu, Zhao et al. 2021, Yang, Lu et al. 2021). In summary, this variant in the start codon of EFTUD2 meets our criteria to be classified as pathogenic based on previous studies, ACMG guidelines and our lab validation

NM_004247.4(EFTUD2):c.3G>T (p.Met1Ile)

Gene: EFTUD2 (elongation factor Tu GTP binding domain containing 2; minus strand). Cytogenetic location: 17q21.31.
Variant type: single nucleotide variant.
Coding change: c.3G>T on transcript NM_004247.4 (MANE Select); coding-DNA position 3, G replaced by T.
Protein change: p.Met1Ile; changes the start codon (methionine 1).
Molecular consequence: missense variant, initiator codon variant. On other transcripts: intron variant (1).
Genome position (GRCh38, 1-based): chr17:44,894,519, C>A on the plus strand (G>T on the coding strand, the complement: EFTUD2 is on the minus strand). VCF-style: chr17-44894519-C-A. GRCh37 (hg19) VCF-style: chr17-42971887-C-A.
Other names: c.3G>T, p.Met1Ile (NM_001258353.2, NM_001258354.2); c.-1+4850G>T (NM_001142605.2); short protein forms M1I.
Identifiers: ClinVar variation 1679931 (VCV001679931.3), dbSNP rs2508866762, ClinGen allele CA399827120.